The following is an entry in ClinVar:

NM_001128840.3(CACNA1D):c.3338C>T (p.Ser1113Leu)

Genes: CACNA1D (calcium voltage-gated channel subunit alpha1 D; plus strand), LOC129936904 (ATAC-STARR-seq lymphoblastoid active region 19969; plus strand). Cytogenetic location: 3p21.1.
Variant type: single nucleotide variant.
Coding change: c.3338C>T on transcript NM_001128840.3 (MANE Select); coding-DNA position 3338, C replaced by T.
Protein change: p.Ser1113Leu; replaces serine 1113 with leucine.
Molecular consequence: missense variant.
Genome position (GRCh38, 1-based): chr3:53,749,291, C>T. VCF-style: chr3-53749291-C-T. GRCh37 (hg19) VCF-style: chr3-53783318-C-T.
Other names: c.3398C>T, p.Ser1133Leu (NM_000720.4); c.3338C>T, p.Ser1113Leu (NM_001128839.3); short protein forms S1133L, S1113L.
Identifiers: ClinVar variation 3007718 (VCV003007718.3), dbSNP rs1363939471, ClinGen allele CA353248441.

ClinVar aggregate classification (germline): Uncertain significance (1 of 4 stars; one submission).

gnomAD v4.1: 10 of 1,613,798 alleles (0.00062%); highest among the groups gnomAD compares: African/African-American, 0.0013%; no homozygotes.

Submission:

Labcorp Genetics (formerly Invitae), Labcorp
Classification: Uncertain significance. Last evaluated: 2025-08-26. Review status: criteria provided, single submitter. Criteria: Invitae Variant Classification Sherloc (09022015). Collection method: clinical testing. Allele origin: germline.
Comment: This sequence change replaces serine, which is neutral and polar, with leucine, which is neutral and non-polar, at codon 1133 of the CACNA1D protein (p.Ser1133Leu). This variant is present in population databases (no rsID available, gnomAD 0.007%). This variant has not been reported in the literature in individuals affected with CACNA1D-related conditions. ClinVar contains an entry for this variant (Variation ID: 3007718). Invitae Evidence Modeling of protein sequence and biophysical properties (such as structural, functional, and spatial information, amino acid conservation, physicochemical variation, residue mobility, and thermodynamic stability) indicates that this missense variant is not expected to disrupt CACNA1D protein function with a negative predictive value of 80%. In summary, the available evidence is currently insufficient to determine the role of this variant in disease. Therefore, it has been classified as a Variant of Uncertain Significance.